The following is an entry in ClinVar:

NM_001039591.3(USP9X):c.3118G>A (p.Ala1040Thr)

Gene: USP9X (ubiquitin specific peptidase 9 X-linked; plus strand). Cytogenetic location: Xp11.4.
Variant type: single nucleotide variant.
Coding change: c.3118G>A on transcript NM_001039591.3 (MANE Select); coding-DNA position 3118, G replaced by A.
Protein change: p.Ala1040Thr; replaces alanine 1040 with threonine.
Molecular consequence: missense variant.
Genome position (GRCh38, 1-based): chrX:41,171,928, G>A. VCF-style: chrX-41171928-G-A. GRCh37 (hg19) VCF-style: chrX-41031181-G-A.
Other names: c.3118G>A, p.Ala1040Thr (NM_001039590.3); c.3133G>A, p.Ala1045Thr (NM_001410748.1, NM_001410749.1, NM_001437534.1); short protein forms A1040T, A1045T.
Identifiers: ClinVar variation 5031660 (VCV005031660.1).

ClinVar aggregate classification (germline): Uncertain significance (1 of 4 stars; one submission).

Conditions:
Inborn genetic diseases. Identifiers: MedGen C0950123, MeSH D030342.

gnomAD v4.1: 1 of 1,210,991 alleles (0.000083%); highest among the groups gnomAD compares: African/African-American, 0.0017%; no homozygotes.

Submission:

Ambry Genetics
Classification: Uncertain significance for Inborn genetic diseases. Last evaluated: 2026-08-17. Review status: criteria provided, single submitter. Criteria: Ambry Variant Classification Scheme 2023. Collection method: clinical testing. Allele origin: germline.
Comment: The c.3118G>A (p.A1040T) alteration is located in exon 21 (coding exon 20) of the USP9X gene. This alteration results from a G to A substitution at nucleotide position 3118, causing the alanine (A) at amino acid position 1040 to be replaced by a threonine (T). Based on data from gnomAD, the A allele has an overall frequency of <0.001% (1/182647) total alleles studied. The highest observed frequency was 0.008% (1/13109) of African alleles. Based on insufficient or conflicting evidence, the clinical significance of this alteration remains unclear.